The following is an entry in ClinVar:

NM_033109.5(PNPT1):c.1400C>A (p.Pro467His)

Gene: PNPT1 (polyribonucleotide nucleotidyltransferase 1; minus strand). Cytogenetic location: 2p16.1.
Variant type: single nucleotide variant.
Coding change: c.1400C>A on transcript NM_033109.5 (MANE Select); coding-DNA position 1400, C replaced by A.
Protein change: p.Pro467His; replaces proline 467 with histidine.
Molecular consequence: missense variant.
Genome position (GRCh38, 1-based): chr2:55,656,172, G>T on the plus strand (C>A on the coding strand, the complement: PNPT1 is on the minus strand). VCF-style: chr2-55656172-G-T. GRCh37 (hg19) VCF-style: chr2-55883307-G-T.
Other names: short protein forms P467H.
Identifiers: ClinVar variation 1805612 (VCV001805612.1), dbSNP rs1329170892, ClinGen allele CA346927078.

ClinVar aggregate classification (germline): Likely pathogenic (1 of 4 stars; one submission).

Conditions:
Combined oxidative phosphorylation defect type 13. Also called: Combined oxidative phosphorylation deficiency 13. Identifiers: Orphanet 319514, MedGen C4706283, MONDO:0013977, OMIM 614932.

gnomAD v4.1: 3 of 1,613,354 alleles (0.00019%); highest among the groups gnomAD compares: Non-Finnish European, 0.00025%; no homozygotes.

Submission:

Victorian Clinical Genetics Services, Murdoch Childrens Research Institute
Classification: Likely pathogenic for Combined oxidative phosphorylation defect type 13. Last evaluated: 2021-05-06. Review status: criteria provided, single submitter. Criteria: ACMG Guidelines, 2015. Collection method: clinical testing. Allele origin: germline. Inheritance: Autosomal recessive inheritance.
Comment: Based on the classification scheme VCGS_Germline_v1.3.4, this variant is classified as likely pathogenic. 0102 - Loss of function is a known mechanism of disease in this gene and is associated with combined oxidative phosphorylation deficiency (MIM# 614932) and deafness (MIM# 614934). (I) 0106 - This gene is associated with autosomal recessive disease. (I) 0200 - Variant is predicted to result in a missense amino acid change from proline to histidine. (I) 0251 - This variant is heterozygous. (I) 0301 - Variant is absent from gnomAD (both v2 and v3). (SP) 0309 - An alternative amino acid change at the same position has been observed in gnomAD (v2) (1 heterozygote, 0 homozygotes). (I) 0502 - Missense variant with conflicting in silico predictions and uninformative conservation. (I) 0600 - Variant is located in the annotated RNase PH domain (Decipher). (I) 0704 - Another missense variant comparable to the one identified in this case has limited previous evidence for pathogenicity. The p.(Pro467Ser) variant has been reported as likely pathogenic in a homozygous state in a Aicardi-Goutières syndrome patient (PMID: 33158637). (SP) 0807 - This variant has no previous evidence of pathogenicity. (I) 0905 - No published segregation evidence has been identified for this variant. (I) 1001 - This variant has strong functional evidence supporting abnormal protein function. Functional analysis in this patient's fibroblasts showed a reduction in PNPase protein level on western blot and a 20% reduction in complex IV compared to controls. Additionally, a significant accumulation of mitochondrial unprocessed transcripts has been shown in patient fibroblasts (PMID: 31752325). (SP) 1201 - Heterozygous variant detected in trans with a second pathogenic heterozygous variant (NM_033109.4(PNPT1):c.406C>T; p.(Arg136Cys)) in a recessive disease. (I) Legend: (SP) - Supporting pathogenic, (I) - Information, (SB) - Supporting benign

Literature cited by the submitters: PubMed 31752325; PubMed 33158637.